The following is an entry in ClinVar:

NM_001127222.2(CACNA1A):c.3652C>T (p.Pro1218Ser)

Gene: CACNA1A (calcium voltage-gated channel subunit alpha1 A; minus strand). Cytogenetic location: 19p13.13.
Variant type: single nucleotide variant.
Coding change: c.3652C>T on transcript NM_001127222.2 (MANE Select); coding-DNA position 3652, C replaced by T.
Protein change: p.Pro1218Ser; replaces proline 1218 with serine.
Molecular consequence: missense variant.
Genome position (GRCh38, 1-based): chr19:13,285,108, G>A on the plus strand (C>T on the coding strand, the complement: CACNA1A is on the minus strand). VCF-style: chr19-13285108-G-A. GRCh37 (hg19) VCF-style: chr19-13395922-G-A.
Other names: c.3664C>T, p.Pro1222Ser (NM_000068.4, NM_023035.3); c.3655C>T, p.Pro1219Ser (NM_001127221.2, NM_001174080.2); short protein forms P1218S, P1219S, P1222S.
Identifiers: ClinVar variation 3254962 (VCV003254962.1), dbSNP rs2512848352.

ClinVar aggregate classification (germline): Uncertain significance (1 of 4 stars; one submission).

Conditions:
Developmental and epileptic encephalopathy, 42 (DEE42A). Also called: DEVELOPMENTAL AND EPILEPTIC ENCEPHALOPATHY 42A; EPILEPTIC ENCEPHALOPATHY, EARLY INFANTILE, 42A; Epileptic encephalopathy, early infantile, 42. Identifiers: MedGen C4310716, MONDO:0014917, OMIM 617106.

Allele frequency attached by ClinVar (database versions not stated): gnomAD exomes below 0.00001.
gnomAD v4.1: 1 of 1,613,926 alleles (0.000062%); highest among the groups gnomAD compares: Non-Finnish European, 0.000085%; no homozygotes.

Submission:

Victorian Clinical Genetics Services, Murdoch Childrens Research Institute
Classification: Uncertain significance for Developmental and epileptic encephalopathy, 42. Last evaluated: 2023-12-21. Review status: criteria provided, single submitter. Criteria: ACMG Guidelines, 2015. Collection method: clinical testing. Allele origin: germline. Inheritance: Autosomal dominant inheritance. Affected: yes.
Comment: Based on the classification scheme VCGS_Germline_v1.3.4, this variant is classified as VUS-3C. Following criteria are met: 0103 - Loss of function and gain of function are known mechanisms of disease in this gene. Type 2 episodic ataxia (MIM#108500) is mostly associated with loss of function, while familial hemiplegic migraine 1, with or without progressive cerebellar ataxia (MIM#141500) is associated with gain of function. Developmental and epileptic encephalopathy 42 (MIM#617106) is associated with both mechanisms, and spinocerebellar ataxia 6 (MIM#183086) is associated with CAG repeat expansion. (OMIM, PMIDs: 25735478, 28566750, 31468518, 32116539). (I) 0107 - This gene is associated with autosomal dominant disease. (I) 0112 - The condition associated with this gene has incomplete penetrance. Reduced penetrance has been reported for patients with episodic ataxia, type 2 (OMIM). (I) 0115 - Variants in this gene are known to have variable expressivity. Two families with episodic ataxia, intellectual disability and/or epilepsy have been reported with intrafamilial variability (PMIDs: 32910250, 30142438). (I) 0200 - Variant is predicted to result in a missense amino acid change from proline to serine. (I) 0251 - This variant is heterozygous. (I) 0301 - Variant is absent from gnomAD (both v2 and v3). (SP) 0502 - Missense variant with conflicting in silico predictions and uninformative conservation. (I) 0604 - Variant is not located in an established domain, motif, hotspot or informative constraint region. (I) 0705 - No comparable missense variants have previous evidence for pathogenicity. (I) 0807 - This variant has no previous evidence of pathogenicity. (I) 0905 - No published segregation evidence has been identified for this variant. (I) 1007 - No published functional evidence has been identified for this variant. (I) Legend: (SP) - Supporting pathogenic, (I) - Information, (SB) - Supporting benign

Literature cited by the submitters: PubMed 25735478; PubMed 28566750; PubMed 30142438; PubMed 31468518; PubMed 32116539; PubMed 32910250.